The following is an entry in ClinVar:

NM_001190274.2(FBXO11):c.1223G>T (p.Cys408Phe)

Gene: FBXO11 (F-box protein 11; minus strand). Cytogenetic location: 2p16.3.
Variant type: single nucleotide variant.
Coding change: c.1223G>T on transcript NM_001190274.2 (MANE Select); coding-DNA position 1223, G replaced by T.
Protein change: p.Cys408Phe; replaces cysteine 408 with phenylalanine.
Molecular consequence: missense variant.
Genome position (GRCh38, 1-based): chr2:47,832,609, C>A on the plus strand (G>T on the coding strand, the complement: FBXO11 is on the minus strand). VCF-style: chr2-47832609-C-A. GRCh37 (hg19) VCF-style: chr2-48059748-C-A.
Other names: c.971G>T, p.Cys324Phe (NM_001374325.1, NM_025133.4); short protein forms C324F, C408F.
Identifiers: ClinVar variation 3378387 (VCV003378387.1).

ClinVar aggregate classification (germline): Uncertain significance (1 of 4 stars; one submission).

Submission:

GeneDx
Classification: Uncertain significance. Last evaluated: 2024-05-13. Review status: criteria provided, single submitter. Criteria: GeneDx Variant Classification Process June 2021. Collection method: clinical testing. Allele origin: germline. Affected: yes.
Comment: Not observed at significant frequency in large population cohorts (gnomAD); In silico analysis supports that this missense variant has a deleterious effect on protein structure/function; Has not been previously published as pathogenic or benign to our knowledge